The following is an entry in ClinVar:

NM_000562.3(C8A):c.635T>C (p.Phe212Ser)

Gene: C8A (complement C8 alpha chain; plus strand). Cytogenetic location: 1p32.2.
Variant type: single nucleotide variant.
Coding change: c.635T>C on transcript NM_000562.3 (MANE Select); coding-DNA position 635, T replaced by C.
Protein change: p.Phe212Ser; replaces phenylalanine 212 with serine.
Molecular consequence: missense variant.
Genome position (GRCh38, 1-based): chr1:56,881,615, T>C. VCF-style: chr1-56881615-T-C. GRCh37 (hg19) VCF-style: chr1-57347288-T-C.
Other names: short protein forms F212S.
Identifiers: ClinVar variation 2089686 (VCV002089686.4), dbSNP rs2522535794, ClinGen allele CA340515040.

ClinVar aggregate classification (germline): Uncertain significance (1 of 4 stars; one submission).

gnomAD v4.1: 1 of 1,613,260 alleles (0.000062%); no homozygotes.

Submission:

Labcorp Genetics (formerly Invitae), Labcorp
Classification: Uncertain significance. Last evaluated: 2023-12-06. Review status: criteria provided, single submitter. Criteria: Invitae Variant Classification Sherloc (09022015). Collection method: clinical testing. Allele origin: germline.
Comment: This sequence change replaces phenylalanine, which is neutral and non-polar, with serine, which is neutral and polar, at codon 212 of the C8A protein (p.Phe212Ser). This variant is not present in population databases (gnomAD no frequency). This variant has not been reported in the literature in individuals affected with C8A-related conditions. ClinVar contains an entry for this variant (Variation ID: 2089686). An algorithm developed to predict the effect of missense changes on protein structure and function (PolyPhen-2) suggests that this variant is likely to be disruptive. In summary, the available evidence is currently insufficient to determine the role of this variant in disease. Therefore, it has been classified as a Variant of Uncertain Significance.